The following is an entry in ClinVar:

NM_000138.5(FBN1):c.2738A>C (p.Glu913Ala)

Gene: FBN1 (fibrillin 1; minus strand). Cytogenetic location: 15q21.1.
Variant type: single nucleotide variant.
Coding change: c.2738A>C on transcript NM_000138.5 (MANE Select); coding-DNA position 2738, A replaced by C.
Protein change: p.Glu913Ala; replaces glutamic acid 913 with alanine.
Molecular consequence: missense variant.
Genome position (GRCh38, 1-based): chr15:48,492,577, T>G on the plus strand (A>C on the coding strand, the complement: FBN1 is on the minus strand). VCF-style: chr15-48492577-T-G. GRCh37 (hg19) VCF-style: chr15-48784774-T-G.
Other names: short protein forms E913A.
Identifiers: ClinVar variation 457180 (VCV000457180.8), dbSNP rs1555398995, ClinGen allele CA392330886.

ClinVar aggregate classification (germline): Likely pathogenic (1 of 4 stars; one submission).

Conditions:
Marfan syndrome (MFS). Also called: MARFAN SYNDROME, TYPE I; FBN1-Related Marfan Syndrome; Marfan syndrome type 1; Marfan's syndrome; Marfan syndrome, classic. Identifiers: Orphanet 284963, Orphanet 558, MedGen C0024796, MONDO:0007947, OMIM 154700.
Familial thoracic aortic aneurysm and aortic dissection (TAAD). Also called: Thoracic aortic aneurysms and dissections. Identifiers: Orphanet 91387, MedGen C4707243, MONDO:0019625.

Submission:

Labcorp Genetics (formerly Invitae), Labcorp
Classification: Likely pathogenic for Marfan syndrome; Familial thoracic aortic aneurysm and aortic dissection. Last evaluated: 2017-09-11. Review status: criteria provided, single submitter. Criteria: Invitae Variant Classification Sherloc (09022015). Collection method: clinical testing. Allele origin: germline.
Comment: Algorithms developed to predict the effect of missense changes on protein structure and function (SIFT, PolyPhen-2, Align-GVGD) all suggest that this variant is likely to be disruptive, but these predictions have not been confirmed by published functional studies and their clinical significance is uncertain. In summary, the currently available evidence indicates that the variant is pathogenic, but additional data are needed to prove that conclusively. Therefore, this variant has been classified as Likely Pathogenic. This variant has been reported to be de novo in an individual affected with Marfan syndrome (Invitae database). This variant is not present in population databases (ExAC no frequency). This sequence change replaces glutamic acid with alanine at codon 913 of the FBN1 protein (p.Glu913Ala). The glutamic acid residue is highly conserved and there is a moderate physicochemical difference between glutamic acid and alanine.